The following is an entry in ClinVar:

ClinVar aggregate classification (germline): Pathogenic (1 of 4 stars; one submission).

Conditions:
Tumor predisposition syndrome 3 (TPDS3). Also called: Glioma susceptibility 9; LONG TELOMERE SYNDROME, POT1-RELATED; POT1 Tumor Predisposition; Melanoma, cutaneous malignant, susceptibility to, 10. Identifiers: Orphanet 618, MedGen C4014476, MONDO:0014368, OMIM 615848.

Submission:

Labcorp Genetics (formerly Invitae), Labcorp
Classification: Pathogenic for Tumor predisposition syndrome 3. Last evaluated: 2024-09-18. Review status: criteria provided, single submitter. Criteria: Invitae Variant Classification Sherloc (09022015). Collection method: clinical testing. Allele origin: germline.
Comment: This sequence change creates a premature translational stop signal (p.Gln330*) in the POT1 gene. It is expected to result in an absent or disrupted protein product. Loss-of-function variants in POT1 are known to be pathogenic (PMID: 32155570). This variant is not present in population databases (gnomAD no frequency). This variant has not been reported in the literature in individuals affected with POT1-related conditions. Algorithms developed to predict the effect of sequence changes on RNA splicing suggest that this variant may disrupt the consensus splice site. For these reasons, this variant has been classified as Pathogenic.

Literature cited by the submitters: PubMed 32155570.

NM_015450.3(POT1):c.988C>T (p.Gln330Ter)

Gene: POT1 (protection of telomeres 1; minus strand). Cytogenetic location: 7q31.33.
Variant type: single nucleotide variant.
Coding change: c.988C>T on transcript NM_015450.3 (MANE Select); coding-DNA position 988, C replaced by T.
Protein change: p.Gln330Ter; replaces glutamine 330 with a stop codon.
Molecular consequence: nonsense. On other transcripts: non-coding transcript variant (3).
Genome position (GRCh38, 1-based): chr7:124,846,960, G>A on the plus strand (C>T on the coding strand, the complement: POT1 is on the minus strand). VCF-style: chr7-124846960-G-A. GRCh37 (hg19) VCF-style: chr7-124487014-G-A.
Other names: c.595C>T, p.Gln199Ter (NM_001042594.2); short protein forms Q199*, Q330*.
Identifiers: ClinVar variation 3717919 (VCV003717919.2).